The following is an entry in ClinVar:

NM_133433.4(NIPBL):c.2711G>C (p.Arg904Thr)

Gene: NIPBL (NIPBL cohesin loading factor; plus strand). Cytogenetic location: 5p13.2.
Variant type: single nucleotide variant.
Coding change: c.2711G>C on transcript NM_133433.4 (MANE Select); coding-DNA position 2711, G replaced by C.
Protein change: p.Arg904Thr; replaces arginine 904 with threonine.
Molecular consequence: missense variant.
Genome position (GRCh38, 1-based): chr5:36,985,891, G>C. VCF-style: chr5-36985891-G-C. GRCh37 (hg19) VCF-style: chr5-36985993-G-C.
Other names: c.2711G>C, p.Arg904Thr (NM_015384.5); short protein forms R904T.
Identifiers: ClinVar variation 3041365 (VCV003041365.2), dbSNP rs2477936866, ClinGen allele CA359504279.
Genomic context (GRCh38, chr5:36,985,891, plus strand): 5'-GGGAACAAAAATCAAGACCTGACAGTCCTCGTGTTAAACAAGGAGATTCTAATAAATCAA[G>C]ATCTGATAAACTTGGTTTTAAATCACCAACTAGTAAAGATGACAAAAGGACAGAGGGTAA-3'
Protein context (NP_597677.2, residues 894-914): RVKQGDSNKS[Arg904Thr]SDKLGFKSPT

ClinVar aggregate classification (germline): Uncertain significance (0 of 4 stars; one submission).

Conditions:
NIPBL-related disorder. Also called: NIPBL-related condition.

Submission:

PreventionGenetics, part of Exact Sciences
Classification: Uncertain significance for NIPBL-related condition. Last evaluated: 2023-12-18. Review status: no assertion criteria provided. Collection method: clinical testing. Allele origin: germline.
Comment: The NIPBL c.2711G>C variant is predicted to result in the amino acid substitution p.Arg904Thr. To our knowledge, this variant has not been reported in the literature or in a large population database, indicating this variant is rare. At this time, the clinical significance of this variant is uncertain due to the absence of conclusive functional and genetic evidence.